The following is an entry in ClinVar:

NM_001369.3(DNAH5):c.8225-2A>T

Gene: DNAH5 (dynein axonemal heavy chain 5; minus strand). Cytogenetic location: 5p15.2.
Variant type: single nucleotide variant.
Coding change: c.8225-2A>T on transcript NM_001369.3 (MANE Select); the canonical splice acceptor site of the intron before coding-DNA position 8225, A replaced by T.
Molecular consequence: splice acceptor variant.
Genome position (GRCh38, 1-based): chr5:13,792,219, T>A on the plus strand (A>T on the coding strand, the complement: DNAH5 is on the minus strand). VCF-style: chr5-13792219-T-A. GRCh37 (hg19) VCF-style: chr5-13792328-T-A.
Identifiers: ClinVar variation 5004205 (VCV005004205.1).

ClinVar aggregate classification (germline): Likely pathogenic (1 of 4 stars; one submission).

Conditions:
Primary ciliary dyskinesia 3. Identifiers: Orphanet 244, MedGen C1837618, MONDO:0012085, OMIM 608644.

Submission:

Myriad Genetics, Inc.
Classification: Likely pathogenic for Primary ciliary dyskinesia 3. Last evaluated: 2025-10-06. Review status: criteria provided, single submitter. Criteria: Myriad Autosomal Dominant, Autosomal Recessive and X-Linked Classification Criteria (2023). Collection method: clinical testing. Allele origin: unknown.
Comment: NM_001369.2(DNAH5):c.8225-2A>T is a variant in a canonical splice site classified as likely pathogenic in the context of primary ciliary dyskinesia, DNAH5-related. c.8225-2A>T has not been observed in cases with relevant disease. Relevant functional assessments of this variant are not available in the literature. c.8225-2A>T has not been observed in referenced population frequency databases. In summary, NM_001369.2(DNAH5):c.8225-2A>T is a variant in a canonical splice site in a gene where loss of function is a known mechanism of disease and is predicted to disrupt protein function. Please note: this variant was assessed in the context of healthy population screening.